The following is an entry in ClinVar:

ClinVar aggregate classification (germline): Uncertain significance. Review status: criteria provided, multiple submitters, no conflicts (2 of 4 stars). 2 submissions from 2 submitters: Uncertain significance (2). Last evaluated 2025-10-04.

Conditions:
Inborn genetic diseases. Identifiers: MedGen C0950123, MeSH D030342.

Allele frequency attached by ClinVar (database versions not stated): gnomAD exomes 0.00001; TOPMed 0.00002; gnomAD 0.00003.
gnomAD v4.1: 54 of 1,536,612 alleles (0.0035%); highest among the groups gnomAD compares: Non-Finnish European, 0.0046%; no homozygotes.

Submissions (2):

Labcorp Genetics (formerly Invitae), Labcorp
Classification: Uncertain significance. Last evaluated: 2025-10-04. Review status: criteria provided, single submitter. Criteria: Invitae Variant Classification Sherloc (09022015). Collection method: clinical testing. Allele origin: germline.
Comment: This sequence change replaces proline, which is neutral and non-polar, with alanine, which is neutral and non-polar, at codon 8 of the MDH2 protein (p.Pro8Ala). This variant is present in population databases (no rsID available, gnomAD 0.004%). This variant has not been reported in the literature in individuals affected with MDH2-related conditions. ClinVar contains an entry for this variant (Variation ID: 1474449). Experimental studies and prediction algorithms are not available or were not evaluated, and the functional significance of this variant is currently unknown. In summary, the available evidence is currently insufficient to determine the role of this variant in disease. Therefore, it has been classified as a Variant of Uncertain Significance.

Ambry Genetics
Classification: Uncertain significance for Inborn genetic diseases. Last evaluated: 2023-07-07. Review status: criteria provided, single submitter. Criteria: Ambry Variant Classification Scheme 2023. Collection method: clinical testing. Allele origin: germline.
Comment: The p.P8A variant (also known as c.22C>G), located in coding exon 1 of the MDH2 gene, results from a C to G substitution at nucleotide position 22. The proline at codon 8 is replaced by alanine, an amino acid with highly similar properties. This amino acid position is conserved. In addition, this alteration is predicted to be tolerated by in silico analysis. Since supporting evidence is limited at this time, the clinical significance of this alteration remains unclear.

NM_005918.4(MDH2):c.22C>G (p.Pro8Ala)

Gene: MDH2 (malate dehydrogenase 2; plus strand). Cytogenetic location: 7q11.23.
Variant type: single nucleotide variant.
Coding change: c.22C>G on transcript NM_005918.4 (MANE Select); coding-DNA position 22, C replaced by G.
Protein change: p.Pro8Ala; replaces proline 8 with alanine.
Molecular consequence: missense variant. On other transcripts: 5 prime UTR variant (1), non-coding transcript variant (1).
Genome position (GRCh38, 1-based): chr7:76,048,182, C>G. VCF-style: chr7-76048182-C-G. GRCh37 (hg19) VCF-style: chr7-75677500-C-G.
Other names: c.22C>G, p.Pro8Ala (NM_001282403.2); c.-131C>G (NM_001282404.2); short protein forms P8A.
Identifiers: ClinVar variation 1474449 (VCV001474449.9), dbSNP rs977422153, ClinGen allele CA160902415.
Genomic context (GRCh38, chr7:76,048,182, plus strand): 5'-CTCCTGTGCCTGCCAGTCGGTGCCCCTCCCGCTCCAGCCATGCTCTCCGCCCTCGCCCGG[C>G]CTGCCAGCGCTGCTCTCCGCCGCAGCTTCAGCACCTCGGCCCAGGTAGGCCAGACGAGGG-3'
Protein context (NP_005909.2, residues 1-18): MLSALAR[Pro8Ala]ASAALRRSFS